The following is an entry in ClinVar:

NM_000441.2(SLC26A4):c.416G>C (p.Gly139Ala)

Gene: SLC26A4 (solute carrier family 26 member 4; plus strand). Cytogenetic location: 7q22.3.
Variant type: single nucleotide variant.
Coding change: c.416G>C on transcript NM_000441.2 (MANE Select); coding-DNA position 416, G replaced by C.
Protein change: p.Gly139Ala; replaces glycine 139 with alanine.
Molecular consequence: missense variant.
Genome position (GRCh38, 1-based): chr7:107,674,164, G>C. VCF-style: chr7-107674164-G-C. GRCh37 (hg19) VCF-style: chr7-107314609-G-C.
Other names: short protein forms G139A.
Identifiers: ClinVar variation 556091 (VCV000556091.11), dbSNP rs756272252, ClinGen allele CA368847780.

ClinVar aggregate classification (germline): Likely pathogenic. Review status: criteria provided, multiple submitters, no conflicts (2 of 4 stars). 6 submissions from 6 submitters: Likely pathogenic (2). 4 of the submissions do not count toward it. Last evaluated 2025-04-28.

Conditions:
Autosomal recessive nonsyndromic hearing loss 4 (DFNB4). Also called: Deafness, autosomal recessive 4; FOXI1-Related Pendred Syndrome; KCNJ10-Related Pendred Syndrome; DEAFNESS, AUTOSOMAL RECESSIVE 4, WITH ENLARGED VESTIBULAR AQUEDUCT, DIGENIC; Enlarged vestibular aqueduct, digenic; Nonsyndromic enlarged vestibular aqueduct (NSEVA). Identifiers: Orphanet 90636, MedGen C3538946, MONDO:0010933, OMIM 600791.
Pendred syndrome (PDS). Also called: DEAFNESS WITH GOITER; Pendred's syndrome; GOITER-DEAFNESS SYNDROME; HYPOTHYROIDISM, CONGENITAL, DUE TO DYSHORMONOGENESIS, 2B; THYROID DYSHORMONOGENESIS 2B; THYROID HORMONOGENESIS, GENETIC DEFECT IN, 2B. Identifiers: Orphanet 705, MedGen C0271829, MONDO:0010134, OMIM 274600.

Submissions (6):

Women's Health and Genetics/Laboratory Corporation of America, LabCorp
Classification: Likely pathogenic for Pendred syndrome. Last evaluated: 2025-04-28. Review status: criteria provided, single submitter. Criteria: LabCorp Variant Classification Summary - May 2015. Collection method: clinical testing. Allele origin: germline.
Comment: Variant summary: SLC26A4 c.416G>C (p.Gly139Ala) results in a non-conservative amino acid change in the encoded protein sequence. Four of four in-silico tools predict a damaging effect of the variant on protein function. Several computational tools predict a significant impact on normal splicing: One predict the variant abolishes a 3' acceptor site. Two predict the variant weakens a 3' acceptor site. One predict the variant no significant impact on splicing. However, these predictions have yet to be confirmed by functional studies. The variant was absent in 251452 control chromosomes. c.416G>C has been observed in a compound heterozygous individual affected with Pendred Syndrome (van Hauwe_1998). More than one publications report experimental evidence evaluating an impact on protein function (Wasano_2020, Takahashi_2024). The most pronounced variant effect results in residual transport activity (Wasano_2020, Takahashi_2024). The following publications have been ascertained in the context of this evaluation (PMID: 38328051, 31599023, 9618166). ClinVar contains an entry for this variant (Variation ID: 556091). Based on the evidence outlined above, the variant was classified as likely pathogenic.

Baylor Genetics
Classification: Likely pathogenic for Autosomal recessive nonsyndromic hearing loss 4. Last evaluated: 2023-02-26. Review status: criteria provided, single submitter. Criteria: ACMG Guidelines, 2015. Collection method: clinical testing. Allele origin: unknown.

National Institute of Sensory Organs, National Hospital Organization Tokyo Medical Center
Classification: Affects for Autosomal recessive nonsyndromic hearing loss 4. Last evaluated: 2019-08-20. Review status: no assertion criteria provided. Collection method: literature only, in vitro. Allele origin: germline. Inheritance: Autosomal recessive inheritance. Affected: yes. Functional consequence: loss_of_function_variant. Not counted in ClinVar's aggregate classification.
Comment: in vitro experiment

Clinical Genetics DNA and cytogenetics Diagnostics Lab, Erasmus MC, Erasmus Medical Center
Classification: Pathogenic. Review status: no assertion criteria provided. Collection method: clinical testing. Allele origin: germline. Affected: yes. Study: VKGL Data-share Consensus. Not counted in ClinVar's aggregate classification.

Joint Genome Diagnostic Labs from Nijmegen and Maastricht, Radboudumc and MUMC+
Classification: Pathogenic. Review status: no assertion criteria provided. Collection method: clinical testing. Allele origin: germline. Affected: yes. Study: VKGL Data-share Consensus. Not counted in ClinVar's aggregate classification.

Counsyl
Classification: Uncertain significance for Pendred syndrome. Last evaluated: 2018-01-11. Review status: flagged submission. Collection method: clinical testing. Allele origin: unknown. Not counted in ClinVar's aggregate classification.
ClinVar note: Reason: Older and outlier claim with insufficient supporting evidence

Literature cited by the submitters: PubMed 31599023 (cited by Women's Health and Genetics/Laboratory Corporation of America, LabCorp and National Institute of Sensory Organs, National Hospital Organization Tokyo Medical Center); PubMed 9618166 (cited by 3 submitters); PubMed 38328051 (cited by Women's Health and Genetics/Laboratory Corporation of America, LabCorp); PubMed 27771369 (cited by National Institute of Sensory Organs, National Hospital Organization Tokyo Medical Center); PubMed 14679580 (cited by Counsyl); PubMed 11700190 (cited by Counsyl); PubMed 16950989 (cited by Counsyl).